The following is an entry in ClinVar:

ClinVar aggregate classification (germline): Uncertain significance (1 of 4 stars; one submission).

Allele frequency attached by ClinVar (database versions not stated): gnomAD exomes below 0.00001 and 0.00001; gnomAD 0.00001; ExAC 0.00002; TOPMed 0.00002; ESP Exome Variant Server 0.00015.
gnomAD v4.1: 6 of 1,613,986 alleles (0.00037%); highest among the groups gnomAD compares: Non-Finnish European, 0.00051%; no homozygotes.

Submission:

Labcorp Genetics (formerly Invitae), Labcorp
Classification: Uncertain significance. Last evaluated: 2025-10-16. Review status: criteria provided, single submitter. Criteria: Invitae Variant Classification Sherloc (09022015). Collection method: clinical testing. Allele origin: germline.
Comment: This sequence change replaces serine, which is neutral and polar, with asparagine, which is neutral and polar, at codon 120 of the DNAJC17 protein (p.Ser120Asn). This variant is present in population databases (rs139728903, gnomAD 0.0009%). This variant has not been reported in the literature in individuals affected with DNAJC17-related conditions. ClinVar contains an entry for this variant (Variation ID: 1519884). An algorithm developed to predict the effect of missense changes on protein structure and function outputs the following: PolyPhen-2: "Benign". The asparagine amino acid residue is found in multiple mammalian species, which suggests that this missense change does not adversely affect protein function. In summary, the available evidence is currently insufficient to determine the role of this variant in disease. Therefore, it has been classified as a Variant of Uncertain Significance.

NM_018163.3(DNAJC17):c.359G>A (p.Ser120Asn)

Gene: DNAJC17 (DnaJ heat shock protein family (Hsp40) member C17; minus strand). Cytogenetic location: 15q15.1.
Variant type: single nucleotide variant.
Coding change: c.359G>A on transcript NM_018163.3 (MANE Select); coding-DNA position 359, G replaced by A.
Protein change: p.Ser120Asn; replaces serine 120 with asparagine.
Molecular consequence: missense variant.
Genome position (GRCh38, 1-based): chr15:40,776,564, C>T on the plus strand (G>A on the coding strand, the complement: DNAJC17 is on the minus strand). VCF-style: chr15-40776564-C-T. GRCh37 (hg19) VCF-style: chr15-41068762-C-T.
Other names: short protein forms S120N.
Identifiers: ClinVar variation 1519884 (VCV001519884.6), dbSNP rs139728903, ClinGen allele CA7485200.
Genomic context (GRCh38, chr15:40,776,564, plus strand): 5'-TGCAGGTGGCCTTCTGGCCAGTGTGCCTGAGTGCTCACCTCTTGCTCTAGTGTCCTGGTG[C>T]TCCGGCTCTCCTCTTCCTCCTCACTCTCCTGGGCCTGGGCCTGCCGCTCCCGGGCCTCCA-3'
Protein context (NP_060633.1, residues 110-130): QESEEEEESR[Ser120Asn]TRTLEQEIER